The following is an entry in ClinVar:

NM_020297.4(ABCC9):c.2770G>A (p.Asp924Asn)

Gene: ABCC9 (ATP binding cassette subfamily C member 9; minus strand). Cytogenetic location: 12p12.1.
Variant type: single nucleotide variant.
Coding change: c.2770G>A on transcript NM_020297.4 (MANE Select); coding-DNA position 2770, G replaced by A.
Protein change: p.Asp924Asn; replaces aspartic acid 924 with asparagine.
Molecular consequence: missense variant.
Genome position (GRCh38, 1-based): chr12:21,848,246, C>T on the plus strand (G>A on the coding strand, the complement: ABCC9 is on the minus strand). VCF-style: chr12-21848246-C-T. GRCh37 (hg19) VCF-style: chr12-22001180-C-T.
Other names: c.2770G>A, p.Asp924Asn (NM_001377273.1, NM_005691.4); c.1903G>A, p.Asp635Asn (NM_001377274.1); short protein forms D635N, D924N.
Identifiers: ClinVar variation 2891819 (VCV002891819.3), dbSNP rs760772830, ClinGen allele CA6481276.

ClinVar aggregate classification (germline): Uncertain significance (1 of 4 stars; one submission).

Conditions:
Dilated cardiomyopathy 1O (CMD1O). Also called: CARDIOMYOPATHY, DILATED, WITH VENTRICULAR TACHYCARDIA. Identifiers: Orphanet 154, MedGen C1837839, MONDO:0012062, OMIM 608569.

Allele frequency attached by ClinVar (database versions not stated): gnomAD exomes below 0.00001; ExAC 0.00001.
gnomAD v4.1: 2 of 1,612,878 alleles (0.00012%); highest among the groups gnomAD compares: Non-Finnish European, 0.00017%; no homozygotes.

Submission:

Labcorp Genetics (formerly Invitae), Labcorp
Classification: Uncertain significance for Dilated cardiomyopathy 1O. Last evaluated: 2023-04-12. Review status: criteria provided, single submitter. Criteria: Invitae Variant Classification Sherloc (09022015). Collection method: clinical testing. Allele origin: germline.
Comment: This sequence change replaces aspartic acid, which is acidic and polar, with asparagine, which is neutral and polar, at codon 924 of the ABCC9 protein (p.Asp924Asn). This variant is present in population databases (rs760772830, gnomAD 0.0009%). In summary, the available evidence is currently insufficient to determine the role of this variant in disease. Therefore, it has been classified as a Variant of Uncertain Significance. Algorithms developed to predict the effect of sequence changes on RNA splicing suggest that this variant may disrupt the consensus splice site. An algorithm developed to predict the effect of missense changes on protein structure and function (PolyPhen-2) suggests that this variant is likely to be tolerated. This variant has not been reported in the literature in individuals affected with ABCC9-related conditions.